The following is an entry in ClinVar:

NM_001205293.3(CACNA1E):c.3722A>G (p.Asn1241Ser)

Gene: CACNA1E (calcium voltage-gated channel subunit alpha1 E; plus strand). Cytogenetic location: 1q25.3.
Variant type: single nucleotide variant.
Coding change: c.3722A>G on transcript NM_001205293.3 (MANE Select); coding-DNA position 3722, A replaced by G.
Protein change: p.Asn1241Ser; replaces asparagine 1241 with serine.
Molecular consequence: missense variant.
Genome position (GRCh38, 1-based): chr1:181,750,478, A>G. VCF-style: chr1-181750478-A-G. GRCh37 (hg19) VCF-style: chr1-181719614-A-G.
Other names: c.3722A>G, p.Asn1241Ser (NM_000721.4); c.3665A>G, p.Asn1222Ser (NM_001205294.2); short protein forms N1222S, N1241S.
Identifiers: ClinVar variation 3012266 (VCV003012266.3), dbSNP rs752090024, ClinGen allele CA1275684.

ClinVar aggregate classification (germline): Uncertain significance (1 of 4 stars; one submission).

Allele frequency attached by ClinVar (database versions not stated): TOPMed below 0.00001; ExAC 0.00001.
gnomAD v4.1: 1 of 1,613,324 alleles (0.000062%); highest among the groups gnomAD compares: Non-Finnish European, 0.000085%; no homozygotes.

Submission:

Labcorp Genetics (formerly Invitae), Labcorp
Classification: Uncertain significance. Last evaluated: 2023-12-11. Review status: criteria provided, single submitter. Criteria: Invitae Variant Classification Sherloc (09022015). Collection method: clinical testing. Allele origin: germline.
Comment: This sequence change replaces asparagine, which is neutral and polar, with serine, which is neutral and polar, at codon 1241 of the CACNA1E protein (p.Asn1241Ser). This variant is present in population databases (rs752090024, gnomAD 0.0009%). This variant has not been reported in the literature in individuals affected with CACNA1E-related conditions. An algorithm developed to predict the effect of missense changes on protein structure and function (PolyPhen-2) suggests that this variant is likely to be tolerated. In summary, the available evidence is currently insufficient to determine the role of this variant in disease. Therefore, it has been classified as a Variant of Uncertain Significance.